The following is an entry in ClinVar:

ClinVar aggregate classification (germline): Uncertain significance. Review status: criteria provided, multiple submitters, no conflicts (2 of 4 stars). 4 submissions from 4 submitters: Uncertain significance (4). Last evaluated 2025-09-28.

Conditions:
Retinitis pigmentosa (RP). Identifiers: Orphanet 791, MedGen C0035334, MeSH D012174, MONDO:0019200, OMIM 268000. Inheritance: Autosomal dominant, autosomal recessive and X linked inheritance.

Allele frequency attached by ClinVar (database versions not stated): ExAC 0.00002; gnomAD exomes 0.00003 and 0.00005; gnomAD 0.00005; TOPMed 0.00005; ESP Exome Variant Server 0.00008.

Submissions (4):

Labcorp Genetics (formerly Invitae), Labcorp
Classification: Uncertain significance. Last evaluated: 2025-09-28. Review status: criteria provided, single submitter. Criteria: Invitae Variant Classification Sherloc (09022015). Collection method: clinical testing. Allele origin: germline.
Comment: This sequence change replaces valine, which is neutral and non-polar, with isoleucine, which is neutral and non-polar, at codon 409 of the ZNF513 protein (p.Val409Ile). This variant is present in population databases (rs371898387, gnomAD 0.005%). This variant has not been reported in the literature in individuals affected with ZNF513-related conditions. ClinVar contains an entry for this variant (Variation ID: 895646). An algorithm developed to predict the effect of missense changes on protein structure and function (PolyPhen-2) suggests that this variant is likely to be tolerated. In summary, the available evidence is currently insufficient to determine the role of this variant in disease. Therefore, it has been classified as a Variant of Uncertain Significance.

Ambry Genetics
Classification: Uncertain significance. Last evaluated: 2025-09-22. Review status: criteria provided, single submitter. Criteria: Ambry Variant Classification Scheme 2023. Collection method: clinical testing. Allele origin: germline.

Blueprint Genetics
Classification: Uncertain significance. Last evaluated: 2024-08-06. Review status: criteria provided, single submitter. Criteria: ACMG Guidelines, 2015. Collection method: clinical testing. Allele origin: germline.

Illumina Laboratory Services, Illumina
Classification: Uncertain significance for Retinitis pigmentosa. Last evaluated: 2018-01-13. Review status: criteria provided, single submitter. Criteria: ICSL Variant Classification Criteria 13 December 2019. Collection method: clinical testing. Allele origin: germline.

NM_144631.6(ZNF513):c.1225G>A (p.Val409Ile)

Gene: ZNF513 (zinc finger protein 513; minus strand). Cytogenetic location: 2p23.3.
Variant type: single nucleotide variant.
Coding change: c.1225G>A on transcript NM_144631.6 (MANE Select); coding-DNA position 1225, G replaced by A.
Protein change: p.Val409Ile; replaces valine 409 with isoleucine.
Molecular consequence: missense variant.
Genome position (GRCh38, 1-based): chr2:27,377,946, C>T on the plus strand (G>A on the coding strand, the complement: ZNF513 is on the minus strand). VCF-style: chr2-27377946-C-T. GRCh37 (hg19) VCF-style: chr2-27600813-C-T.
Other names: c.1039G>A, p.Val347Ile (NM_001201459.2); short protein forms V347I, V409I.
Identifiers: ClinVar variation 895646 (VCV000895646.15), dbSNP rs371898387, ClinGen allele CA1577834.